The following is an entry in ClinVar:

ClinVar aggregate classification (germline): Uncertain significance (1 of 4 stars; one submission).

Conditions:
Shukla-Vernon syndrome. Identifiers: MedGen C5193146, MONDO:0026727, OMIM 301029.

gnomAD v4.1: 1 of 1,209,987 alleles (0.000083%); highest among the groups gnomAD compares: Non-Finnish European, 0.00011%; no homozygotes.

Submission:

Dasa
Classification: Uncertain significance for Shukla-Vernon syndrome. Last evaluated: 2026-03-12. Review status: criteria provided, single submitter. Criteria: DASA Assertion Criteria. Collection method: clinical testing. Allele origin: germline.
Comment: NM_001379451.1(BCORL1):c.4841-3C>T is a splice-region variant. This variant is rare in population databases. Computational prediction algorithms are consistent with a deleterious effect. The currently available literature and clinical evidence are not sufficient to establish a definitive association between this variant and the reported condition. Therefore, this variant is classified as a variant of uncertain significance.

NM_001379451.1(BCORL1):c.4841-3C>T

Gene: BCORL1 (BCL6 corepressor like 1; plus strand). Cytogenetic location: Xq26.1.
Variant type: single nucleotide variant.
Coding change: c.4841-3C>T on transcript NM_001379451.1 (MANE Select); 3 bases into the intron before coding-DNA position 4841, C replaced by T.
Molecular consequence: intron variant.
Genome position (GRCh38, 1-based): chrX:130,050,714, C>T. VCF-style: chrX-130050714-C-T. GRCh37 (hg19) VCF-style: chrX-129184689-C-T.
Other names: c.4841-3C>T (NM_001441327.1, NM_001184772.3, NM_001441326.1 and 2 more transcripts); c.4451-3C>T (NM_001441329.1, NM_001441331.1, NM_001441330.1 and 1 more transcripts); c.4619-3C>T (NM_021946.5).
Identifiers: ClinVar variation 4882277 (VCV004882277.2).